The following is an entry in ClinVar:

ClinVar aggregate classification (germline): Pathogenic (1 of 4 stars; one submission).

Conditions:
Walker-Warburg congenital muscular dystrophy. Also called: Muscular dystrophy-dystroglycanopathy, type A; Walker-Warburg syndrome. Identifiers: Orphanet 899, MedGen C0265221, MONDO:0000171.
Muscular dystrophy-dystroglycanopathy (congenital with impaired intellectual development), type B, 1. Also called: MUSCULAR DYSTROPHY, CONGENITAL, POMT1-RELATED; Muscular dystrophy-dystroglycanopathy (congenital with intellectual disability), type B1. Identifiers: MedGen C5436962, MONDO:0013159, OMIM 613155.
Autosomal recessive limb-girdle muscular dystrophy type 2K. Also called: MUSCULAR DYSTROPHY-DYSTROGLYCANOPATHY (LIMB-GIRDLE), TYPE C, 1; MUSCULAR DYSTROPHY, LIMB-GIRDLE, TYPE 2K. Identifiers: Orphanet 86812, MedGen C1836373, MONDO:0012248, OMIM 609308.

Allele frequency attached by ClinVar (database versions not stated): gnomAD exomes below 0.00001.
gnomAD v4.1: 1 of 1,614,186 alleles (0.000062%); highest among the groups gnomAD compares: Non-Finnish European, 0.000085%; no homozygotes.

Submission:

Labcorp Genetics (formerly Invitae), Labcorp
Classification: Pathogenic for Muscular dystrophy-dystroglycanopathy (congenital with impaired intellectual development), type B, 1; Walker-Warburg congenital muscular dystrophy; Autosomal recessive limb-girdle muscular dystrophy type 2K. Last evaluated: 2023-05-01. Review status: criteria provided, single submitter. Criteria: Invitae Variant Classification Sherloc (09022015). Collection method: clinical testing. Allele origin: germline.
Comment: For these reasons, this variant has been classified as Pathogenic. This variant has not been reported in the literature in individuals affected with POMT1-related conditions. This variant is not present in population databases (gnomAD no frequency). This sequence change creates a premature translational stop signal (p.Gln673*) in the POMT1 gene. It is expected to result in an absent or disrupted protein product. Loss-of-function variants in POMT1 are known to be pathogenic (PMID: 12369018, 15637732, 16575835).

Literature cited by the submitters: PubMed 12369018; PubMed 15637732; PubMed 16575835.

NM_001077365.2(POMT1):c.1951C>T (p.Gln651Ter)

Gene: POMT1 (protein O-mannosyltransferase 1; plus strand). Cytogenetic location: 9q34.13.
Variant type: single nucleotide variant.
Coding change: c.1951C>T on transcript NM_001077365.2 (MANE Select); coding-DNA position 1951, C replaced by T.
Protein change: p.Gln651Ter; replaces glutamine 651 with a stop codon.
Molecular consequence: nonsense. On other transcripts: non-coding transcript variant (10).
Genome position (GRCh38, 1-based): chr9:131,522,172, C>T. VCF-style: chr9-131522172-C-T. GRCh37 (hg19) VCF-style: chr9-134397559-C-T.
Other names: c.1789C>T, p.Gln597Ter (NM_001077366.2, NM_001353194.2); c.1951C>T, p.Gln651Ter (NM_001136113.2); c.1600C>T, p.Gln534Ter (NM_001136114.2, NM_001353195.2, NM_001374691.1 and 2 more transcripts); c.2017C>T, p.Gln673Ter (NM_001353193.2, NM_007171.4); c.1861C>T, p.Gln621Ter (NM_001353196.2); c.1855C>T, p.Gln619Ter (NM_001353197.2, NM_001353198.2); c.1666C>T, p.Gln556Ter (NM_001353199.2); c.1495C>T, p.Gln499Ter (NM_001353200.2); and 4 more; short protein forms Q556*, Q619*, Q521*, Q578*, Q499*, Q621*, Q647*, Q274*.
Identifiers: ClinVar variation 2933008 (VCV002933008.3), dbSNP rs2539477272, ClinGen allele CA375314576.
Genomic context (GRCh38, chr9:131,522,172, plus strand): 5'-CCGTTCTTCCTGATGGAGAAGACACTCTTCCTCTACCACTACCTGCCCGCACTCACCTTC[C>T]AAATCCTTCTGCTCCCTGTGGTCCTGCAGCACATCAGCGACCACCTGTGCAGGTACGGGG-3'